The following is an entry in ClinVar:

NM_000359.3(TGM1):c.1487C>T (p.Ala496Val)

Gene: TGM1 (transglutaminase 1; minus strand). Cytogenetic location: 14q12.
Variant type: single nucleotide variant.
Coding change: c.1487C>T on transcript NM_000359.3 (MANE Select); coding-DNA position 1487, C replaced by T.
Protein change: p.Ala496Val; replaces alanine 496 with valine.
Molecular consequence: missense variant.
Genome position (GRCh38, 1-based): chr14:24,255,993, G>A on the plus strand (C>T on the coding strand, the complement: TGM1 is on the minus strand). VCF-style: chr14-24255993-G-A. GRCh37 (hg19) VCF-style: chr14-24725199-G-A.
Other names: p.A496V; short protein forms A496V.
Identifiers: ClinVar variation 4076412 (VCV004076412.1).

ClinVar aggregate classification (germline): Uncertain significance (0 of 4 stars; one submission).

Conditions:
Autosomal recessive congenital ichthyosis 1 (LI1). Also called: COLLODION FETUS; DESQUAMATION OF NEWBORN; ICHTHYOSIS CONGENITA; ICHTHYOSIS CONGENITA II; LAMELLAR EXFOLIATION OF NEWBORN; ICHTHYOSIS, CONGENITAL, AUTOSOMAL RECESSIVE 1, WITH BATHING SUIT DISTRIBUTION. Identifiers: MedGen C4551630, MONDO:0009441, OMIM 242300.

gnomAD v4.1: 3 of 1,560,478 alleles (0.00019%); highest among the groups gnomAD compares: Non-Finnish European, 0.00026%; no homozygotes.

Submission:

Human Molecular Lab, Hazara University
Classification: Uncertain significance for Autosomal recessive congenital ichthyosis 1. Review status: no assertion criteria provided. Collection method: research. Allele origin: inherited. Inheritance: Autosomal recessive inheritance. Affected: yes. Observed: 2 variant alleles, 2 homozygotes. Clinical features observed: Keratoderma in their palms and soles, Finer scales on legs and arm.
Comment: The variant c.C1487T:p.A496V of the TGM1 gene causes a Lamellar ichthyosis (LI), which has previously been reported in families with an autosomal recessive mode of inheritance. In those families, the variant segregated with the disease, including both affected and unaffected members. variant is reported in Clinvar, but no published data is available.